The following is an entry in ClinVar:

ClinVar aggregate classification (germline): Uncertain significance (1 of 4 stars; one submission).

Submission:

GeneDx
Classification: Uncertain significance. Last evaluated: 2025-05-17. Review status: criteria provided, single submitter. Criteria: GeneDx Variant Classification Process June 2021. Collection method: clinical testing. Allele origin: germline. Affected: yes.
Comment: Not observed at significant frequency in large population cohorts (gnomAD); In silico analysis supports that this missense variant has a deleterious effect on protein structure/function; Has not been previously published as pathogenic or benign to our knowledge

NM_001271.4(CHD2):c.4598T>C (p.Leu1533Pro)

Gene: CHD2 (chromodomain helicase DNA binding protein 2; plus strand). Cytogenetic location: 15q26.1.
Variant type: single nucleotide variant.
Coding change: c.4598T>C on transcript NM_001271.4 (MANE Select); coding-DNA position 4598, T replaced by C.
Protein change: p.Leu1533Pro; replaces leucine 1533 with proline.
Molecular consequence: missense variant.
Genome position (GRCh38, 1-based): chr15:93,012,350, T>C. VCF-style: chr15-93012350-T-C. GRCh37 (hg19) VCF-style: chr15-93555580-T-C.
Other names: short protein forms L1533P.
Identifiers: ClinVar variation 4529571 (VCV004529571.1).